The following is an entry in ClinVar:

ClinVar aggregate classification (germline): Conflicting classifications of pathogenicity. Review status: criteria provided, conflicting classifications (1 of 4 stars). 3 submissions from 3 submitters: Uncertain significance (1); Likely benign (2). Last evaluated 2024-12-26.

Allele frequency attached by ClinVar (database versions not stated): gnomAD exomes 0.00010 and 0.00014; gnomAD 0.00023 and 0.00024; TOPMed 0.00025; ExAC 0.00038; ESP Exome Variant Server 0.00039.

Submissions (3):

Labcorp Genetics (formerly Invitae), Labcorp
Classification: Uncertain significance. Last evaluated: 2024-12-26. Review status: criteria provided, single submitter. Criteria: Invitae Variant Classification Sherloc (09022015). Collection method: clinical testing. Allele origin: germline.
Comment: This sequence change replaces alanine, which is neutral and non-polar, with threonine, which is neutral and polar, at codon 40 of the SAMD11 protein (p.Ala40Thr). This variant is present in population databases (rs368250686, gnomAD 0.1%). This variant has not been reported in the literature in individuals affected with SAMD11-related conditions. ClinVar contains an entry for this variant (Variation ID: 1043045). An algorithm developed to predict the effect of missense changes on protein structure and function outputs the following: PolyPhen-2: "Benign". The threonine amino acid residue is found in multiple mammalian species, which suggests that this missense change does not adversely affect protein function. In summary, the available evidence is currently insufficient to determine the role of this variant in disease. Therefore, it has been classified as a Variant of Uncertain Significance.

Blueprint Genetics
Classification: Likely benign. Last evaluated: 2024-11-19. Review status: criteria provided, single submitter. Criteria: ACMG Guidelines, 2015. Collection method: clinical testing. Allele origin: germline.

Ambry Genetics
Classification: Likely benign. Last evaluated: 2022-05-06. Review status: criteria provided, single submitter. Criteria: Ambry Variant Classification Scheme 2023. Collection method: clinical testing. Allele origin: germline.

NM_001385641.1(SAMD11):c.655G>A (p.Ala219Thr)

Gene: SAMD11 (sterile alpha motif domain containing 11; plus strand). Cytogenetic location: 1p36.33.
Variant type: single nucleotide variant.
Coding change: c.655G>A on transcript NM_001385641.1 (MANE Select); coding-DNA position 655, G replaced by A.
Protein change: p.Ala219Thr; replaces alanine 219 with threonine.
Molecular consequence: missense variant.
Genome position (GRCh38, 1-based): chr1:930,200, G>A. VCF-style: chr1-930200-G-A. GRCh37 (hg19) VCF-style: chr1-865580-G-A.
Other names: c.118G>A (NM_152486.2); c.655G>A, p.Ala219Thr (NM_001385640.1); c.118G>A, p.Ala40Thr (NM_152486.4); short protein forms A219T, A40T.
Identifiers: ClinVar variation 1043045 (VCV001043045.6), dbSNP rs368250686, ClinGen allele CA502426.